The following is an entry in ClinVar:

NM_152743.4(BRAT1):c.1636G>T (p.Val546Leu)

Gene: BRAT1 (BRCA1 associated ATM activator 1; minus strand). Cytogenetic location: 7p22.3.
Variant type: single nucleotide variant.
Coding change: c.1636G>T on transcript NM_152743.4 (MANE Select); coding-DNA position 1636, G replaced by T.
Protein change: p.Val546Leu; replaces valine 546 with leucine.
Molecular consequence: missense variant. On other transcripts: non-coding transcript variant (1).
Genome position (GRCh38, 1-based): chr7:2,539,313, C>A on the plus strand (G>T on the coding strand, the complement: BRAT1 is on the minus strand). VCF-style: chr7-2539313-C-A. GRCh37 (hg19) VCF-style: chr7-2578947-C-A.
Other names: p.Val546Leu; c.1636G>T, p.Val546Leu (NM_001350626.2); c.1111G>T, p.Val371Leu (NM_001350627.2); short protein forms V546L, V371L.
Identifiers: ClinVar variation 472948 (VCV000472948.18), dbSNP rs34656552, ClinGen allele CA4127642.

ClinVar aggregate classification (germline): Benign. Review status: criteria provided, multiple submitters, no conflicts (2 of 4 stars). 5 submissions from 5 submitters: Benign (4). 1 of the submissions does not count toward it. Last evaluated 2026-02-03.

Conditions:
BRAT1-related disorder. Also called: BRAT1-related condition; BRAT1-related disorders.
Neonatal-onset encephalopathy with rigidity and seizures. Also called: Lethal neonatal spasticity-epileptic encephalopathy syndrome. Identifiers: Orphanet 435845, MedGen C3281029, MONDO:0013784, OMIM 614498.

Allele frequency attached by ClinVar (database versions not stated): ESP Exome Variant Server 0.01761; gnomAD 0.01821 and 0.01960; 1000 Genomes Project 0.01897; TOPMed 0.01998; 1000 Genomes Project 30x 0.02061.
gnomAD v4.1: 5,369 of 1,611,718 alleles (0.33%); highest among the groups gnomAD compares: African/African-American, 6.4%; 182 homozygotes.

Submissions (5):

Labcorp Genetics (formerly Invitae), Labcorp
Classification: Benign for Neonatal-onset encephalopathy with rigidity and seizures. Last evaluated: 2026-02-03. Review status: criteria provided, single submitter. Criteria: Invitae Variant Classification Sherloc (09022015). Collection method: clinical testing. Allele origin: germline.

Mayo Clinic Laboratories, Mayo Clinic
Classification: Benign. Last evaluated: 2022-07-08. Review status: criteria provided, single submitter. Criteria: ACMG Guidelines, 2015. Collection method: clinical testing. Allele origin: germline. Observed: 5 variant alleles.

GeneDx
Classification: Benign. Last evaluated: 2018-07-17. Review status: criteria provided, single submitter. Criteria: GeneDx Variant Classification Process June 2021. Collection method: clinical testing. Allele origin: germline. Affected: yes.

Athena Diagnostics
Classification: Benign. Last evaluated: 2017-11-20. Review status: criteria provided, single submitter. Criteria: Athena Diagnostics Criteria. Collection method: clinical testing. Allele origin: germline.

PreventionGenetics, part of Exact Sciences
Classification: Benign for BRAT1-related condition. Last evaluated: 2019-06-14. Review status: no assertion criteria provided. Collection method: clinical testing. Allele origin: germline. Not counted in ClinVar's aggregate classification.
Comment: This variant is classified as benign based on ACMG/AMP sequence variant interpretation guidelines (Richards et al. 2015 PMID: 25741868, with internal and published modifications).